The following is an entry in ClinVar:

NM_000059.4(BRCA2):c.2661G>A (p.Glu887=)

Gene: BRCA2 (BRCA2 DNA repair associated; plus strand). Cytogenetic location: 13q13.1.
Variant type: single nucleotide variant.
Coding change: c.2661G>A on transcript NM_000059.4 (MANE Select); coding-DNA position 2661, G replaced by A.
Protein change: p.Glu887=; no amino-acid change (glutamic acid 887 retained).
Molecular consequence: synonymous variant.
Genome position (GRCh38, 1-based): chr13:32,337,016, G>A. VCF-style: chr13-32337016-G-A. GRCh37 (hg19) VCF-style: chr13-32911153-G-A.
Identifiers: ClinVar variation 232641 (VCV000232641.18), dbSNP rs876659892, ClinGen allele CA10579547.

ClinVar aggregate classification (germline): Likely benign. Review status: reviewed by expert panel (3 of 4 stars). 5 submissions from 5 submitters: Likely benign (1). 4 of the submissions do not count toward it. Last evaluated 2017-06-29.

Conditions:
Hereditary breast ovarian cancer syndrome. Also called: Breast and ovarian cancer; BRCA1- and BRCA2-Associated Hereditary Breast and Ovarian Cancer; Hereditary breast and ovarian cancer syndrome; Hereditary breast and ovarian cancer syndrome (HBOC); Hereditary breast and/or ovarian cancer syndrome; Hereditary breast and ovarian cancer. Identifiers: Orphanet 145, MedGen C0677776, MeSH D061325, MONDO:0003582. Disease mechanism: loss of function.
Breast-ovarian cancer, familial, susceptibility to, 2 (BROVCA2). Also called: BRCA2 Hereditary Breast and Ovarian Cancer. Identifiers: Orphanet 145, MedGen C2675520, MONDO:0012933, OMIM 612555. Disease mechanism: loss of function.
Hereditary cancer-predisposing syndrome. Also called: Neoplastic Syndromes, Hereditary; Hereditary Cancer Syndrome; Tumor predisposition; Hereditary neoplastic syndrome. Identifiers: Orphanet 140162, MedGen C0027672, MeSH D009386, MONDO:0015356.

Allele frequency attached by ClinVar (database versions not stated): gnomAD exomes below 0.00001.
gnomAD v4.1: 2 of 1,591,640 alleles (0.00013%); highest among the groups gnomAD compares: East Asian, 0.0045%; no homozygotes.

Submissions (5):

Evidence-based Network for the Interpretation of Germline Mutant Alleles (ENIGMA)
Classification: Likely benign for Breast-ovarian cancer, familial, susceptibility to, 2. Last evaluated: 2017-06-29. Review status: reviewed by expert panel. Criteria: ENIGMA BRCA1/2 Classification Criteria (2017-06-29). Collection method: curation. Allele origin: germline.
Comment: Synonymous substitution variant, with low bioinformatic likelihood to result in a splicing aberration (Splicing prior probability 0.02).

Labcorp Genetics (formerly Invitae), Labcorp
Classification: Likely benign for Hereditary breast ovarian cancer syndrome. Last evaluated: 2025-04-08. Review status: criteria provided, single submitter. Criteria: Invitae Variant Classification Sherloc (09022015). Collection method: clinical testing. Allele origin: germline. Not counted in ClinVar's aggregate classification.

Blueprint Genetics
Classification: Likely benign. Last evaluated: 2020-11-18. Review status: criteria provided, single submitter. Criteria: ACMG Guidelines, 2015. Collection method: clinical testing. Allele origin: germline. Not counted in ClinVar's aggregate classification.

Color Diagnostics, LLC DBA Color Health
Classification: Likely benign for Hereditary cancer-predisposing syndrome. Last evaluated: 2019-01-28. Review status: criteria provided, single submitter. Criteria: ACMG Guidelines, 2015. Collection method: clinical testing. Allele origin: germline. Not counted in ClinVar's aggregate classification.

Ambry Genetics
Classification: Likely benign for Hereditary cancer-predisposing syndrome. Last evaluated: 2015-06-26. Review status: criteria provided, single submitter. Criteria: Ambry Variant Classification Scheme 2023. Collection method: clinical testing. Allele origin: germline. Not counted in ClinVar's aggregate classification.